The following is an entry in ClinVar:

ClinVar aggregate classification (germline): Likely benign (0 of 4 stars; one submission).

Conditions:
SEMA3B-related disorder. Also called: SEMA3B-related condition.

Allele frequency attached by ClinVar (database versions not stated): TOPMed 0.00060; ESP Exome Variant Server 0.00066; gnomAD 0.00060; ExAC 0.00071.
gnomAD v4.1: 1,175 of 1,591,932 alleles (0.074%); highest among the groups gnomAD compares: Non-Finnish European, 0.095%; no homozygotes.

Submission:

PreventionGenetics, part of Exact Sciences
Classification: Likely benign for SEMA3B-related condition. Last evaluated: 2022-05-02. Review status: no assertion criteria provided. Collection method: clinical testing. Allele origin: germline.
Comment: This variant is classified as likely benign based on ACMG/AMP sequence variant interpretation guidelines (Richards et al. 2015 PMID: 25741868, with internal and published modifications).

NM_001290060.2(SEMA3B):c.955C>T (p.Arg319Trp)

Gene: SEMA3B (semaphorin 3B; plus strand). Cytogenetic location: 3p21.31.
Variant type: single nucleotide variant.
Coding change: c.955C>T on transcript NM_001290060.2 (MANE Select); coding-DNA position 955, C replaced by T.
Protein change: p.Arg319Trp; replaces arginine 319 with tryptophan.
Molecular consequence: missense variant. On other transcripts: 5 prime UTR variant (2).
Genome position (GRCh38, 1-based): chr3:50,273,791, C>T. VCF-style: chr3-50273791-C-T. GRCh37 (hg19) VCF-style: chr3-50311222-C-T.
Other names: c.955C>T, p.Arg319Trp (NM_001005914.3, NM_004636.4); c.970C>T, p.Arg324Trp (NM_001290061.1); c.-72C>T (NM_001290062.2); c.-75C>T (NM_001290063.2); short protein forms R319W, R324W.
Identifiers: ClinVar variation 3042468 (VCV003042468.2), dbSNP rs374413970, ClinGen allele CA2413912.